The following is an entry in ClinVar:

ClinVar aggregate classification (germline): Likely pathogenic (1 of 4 stars; one submission).

Conditions:
Autosomal recessive limb-girdle muscular dystrophy type 2J (LGMDR10). Also called: Limb-girdle muscular dystrophy, type 2J; MUSCULAR DYSTROPHY, LIMB-GIRDLE, AUTOSOMAL RECESSIVE 10. Identifiers: Orphanet 140922, MedGen C1837342, MONDO:0012127, OMIM 608807.
Dilated cardiomyopathy 1G (CMD1G). Identifiers: Orphanet 154, MedGen C1858763, MONDO:0011400, OMIM 604145.

Submission:

Labcorp Genetics (formerly Invitae), Labcorp
Classification: Likely pathogenic for Dilated cardiomyopathy 1G; Autosomal recessive limb-girdle muscular dystrophy type 2J. Last evaluated: 2022-04-09. Review status: criteria provided, single submitter. Criteria: Invitae Variant Classification Sherloc (09022015). Collection method: clinical testing. Allele origin: germline.
Comment: This variant is located in the A band of TTN (PMID: 25589632). Truncating variants in this region are significantly overrepresented in patients affected with dilated cardiomyopathy (PMID: 25589632). Truncating variants in this region have also been reported in individuals affected with autosomal recessive centronuclear myopathy (PMID: 23975875). This variant has not been reported in the literature in individuals affected with TTN-related conditions. This variant is not present in population databases (gnomAD no frequency). This sequence change creates a premature translational stop signal (p.Leu31585Cysfs*2) in the TTN gene. While this is not anticipated to result in nonsense mediated decay, it is expected to create a truncated TTN protein. In summary, the currently available evidence indicates that the variant is pathogenic, but additional data are needed to prove that conclusively. Therefore, this variant has been classified as Likely Pathogenic.

Literature cited by the submitters: PubMed 25589632; PubMed 23975875.

NM_001267550.2(TTN):c.94752_94753dup (p.Leu31585fs)

Genes: TTN (titin; minus strand), TTN-AS1 (TTN antisense RNA 1; plus strand). Cytogenetic location: 2q31.2.
Variant type: Microsatellite.
Coding change: c.94752_94753dup on transcript NM_001267550.2 (MANE Select); coding-DNA positions 94752 to 94753, 2 bases duplicated (GT; older notation c.94752_94753dupGT).
Protein change: p.Leu31585fs; shifts the reading frame from leucine 31585.
Molecular consequence: frameshift variant.
Genome position (GRCh38, 1-based): chr2:178,546,675-178,546,676, AC duplicated on the plus strand (GT on the coding strand, the reverse complement: TTN is on the minus strand); duplicating any 2 consecutive bases within chr2:178,546,675-178,546,680 gives the same sequence; the c. name uses the placement nearest the transcript's 3' end. VCF-style (leftmost placement, unchanged base first): chr2-178546674-A-AAC. GRCh37 (hg19) VCF-style: chr2-179411401-A-AAC.
Other names: c.89829_89830dup, p.Leu29944fs (NM_001256850.1); c.67557_67558dup, p.Leu22520fs (NM_003319.4); c.87048_87049dup, p.Leu29017fs (NM_133378.4); c.67932_67933dup, p.Leu22645fs (NM_133432.3); c.68133_68134dup, p.Leu22712fs (NM_133437.4); short protein forms L22712fs, L29017fs, L31585fs, L22645fs, L29944fs, L22520fs.
Identifiers: ClinVar variation 2123805 (VCV002123805.4), dbSNP rs2469062693, ClinGen allele CA2580614427.
Genomic context (GRCh38, chr2:178,546,674, plus strand): 5'-CAAGTGACAGGGCCTGTAGATTCAGACCCTTTGCTAATTACGCCTGCTGCATTCTTGGCT[A>AAC]ACACACGGAACTCATAAGTGTCTCCTTCACTGAGAGCAGTCACGGTGAAGAAATTGTCAG-3'